The following is an entry in ClinVar:

NM_000426.4(LAMA2):c.1621A>G (p.Ser541Gly)

Gene: LAMA2 (laminin subunit alpha 2; plus strand). Cytogenetic location: 6q22.33.
Variant type: single nucleotide variant.
Coding change: c.1621A>G on transcript NM_000426.4 (MANE Select); coding-DNA position 1621, A replaced by G.
Protein change: p.Ser541Gly; replaces serine 541 with glycine.
Molecular consequence: missense variant.
Genome position (GRCh38, 1-based): chr6:129,192,692, A>G. VCF-style: chr6-129192692-A-G. GRCh37 (hg19) VCF-style: chr6-129513837-A-G.
Other names: c.1621A>G, p.Ser541Gly (NM_001079823.2); short protein forms S541G.
Identifiers: ClinVar variation 92939 (VCV000092939.61), dbSNP rs141363186, ClinGen allele CA220741.

ClinVar aggregate classification (germline): Conflicting classifications of pathogenicity. Review status: criteria provided, conflicting classifications (1 of 4 stars). 14 submissions from 14 submitters: Uncertain significance (3); Benign (1); Likely benign (8). 2 of the submissions do not count toward it. Last evaluated 2026-08-01.

Conditions:
LAMA2-related disorder. Also called: LAMA2-related condition; LAMA2-related disorders.
Inborn genetic diseases. Identifiers: MedGen C0950123, MeSH D030342.
LAMA2-related muscular dystrophy (LAMA2-RD). Also called: Laminin alpha 2-related dystrophy. Identifiers: MedGen C5679788, MONDO:0100228.
Congenital muscular dystrophy due to partial LAMA2 deficiency. Identifiers: MedGen C1842898.
Intellectual disability. Also called: Intellectual functioning disability; intellectual disabilities; Intellectual developmental disorder. Identifiers: MedGen C3714756, MeSH D008607, MONDO:0001071, HP:0001249.

Allele frequency attached by ClinVar (database versions not stated): 1000 Genomes Project 0.00040; 1000 Genomes Project 30x 0.00047; gnomAD exomes 0.00168 and 0.00277; ExAC 0.00173; gnomAD 0.00175 and 0.00180; TOPMed 0.00177; ESP Exome Variant Server 0.00269.
gnomAD v4.1: 4,294 of 1,613,948 alleles (0.27%); highest among the groups gnomAD compares: Non-Finnish European, 0.32%; 10 homozygotes.

Submissions (14):

CeGaT Center for Human Genetics Tuebingen
Classification: Likely benign. Last evaluated: 2026-08-01. Review status: criteria provided, single submitter. Criteria: CeGaT Center For Human Genetics Tuebingen Variant Classification Criteria Version 2. Collection method: clinical testing. Allele origin: germline. Affected: yes. Observed: 8 variant alleles.
Comment: LAMA2: BP4, BS2

Labcorp Genetics (formerly Invitae), Labcorp
Classification: Benign for LAMA2-related muscular dystrophy. Last evaluated: 2026-01-26. Review status: criteria provided, single submitter. Criteria: Invitae Variant Classification Sherloc (09022015). Collection method: clinical testing. Allele origin: germline.

Mayo Clinic Laboratories, Mayo Clinic
Classification: Likely benign. Last evaluated: 2025-11-17. Review status: criteria provided, single submitter. Criteria: ACMG Guidelines, 2015. Collection method: clinical testing. Allele origin: germline. Observed: 19 variant alleles.
Comment: BS1, BP4_moderate

Blueprint Genetics
Classification: Likely benign. Last evaluated: 2024-11-06. Review status: criteria provided, single submitter. Criteria: ACMG Guidelines, 2015. Collection method: clinical testing. Allele origin: germline.

Ambry Genetics
Classification: Likely benign for Inborn genetic diseases. Last evaluated: 2024-09-26. Review status: criteria provided, single submitter. Criteria: Ambry Variant Classification Scheme 2023. Collection method: clinical testing. Allele origin: germline.

Women's Health and Genetics/Laboratory Corporation of America, LabCorp
Classification: Likely benign. Last evaluated: 2024-05-22. Review status: criteria provided, single submitter. Criteria: LabCorp Variant Classification Summary - May 2015. Collection method: clinical testing. Allele origin: germline.
Comment: Variant summary: LAMA2 c.1621A>G (p.Ser541Gly) results in a non-conservative amino acid change located in the Laminin IV domain (IPR000034) of the encoded protein sequence. Four of five in-silico tools predict a benign effect of the variant on protein function. The variant allele was found at a frequency of 0.0027 in 1613948 control chromosomes in the gnomAD database, including 10 homozygotes. The observed variant frequency is approximately 1.19 fold of the estimated maximal expected allele frequency for a pathogenic variant in LAMA2 causing Laminin Alpha 2-Related Dystrophy phenotype (0.0022) suggesting the variant may be benign. c.1621A>G has been reported in the literature in a homozygous and compound heterozygous individual with an unspecified suspected muscular disorder, without evidence of causality (e.g. Thuriot_2020). This report does not provide unequivocal conclusions about association of the variant with Laminin Alpha 2-Related Dystrophy. To our knowledge, no experimental evidence demonstrating an impact on protein function has been reported. The following publication have been ascertained in the context of this evaluation (PMID: 32337335). ClinVar contains an entry for this variant (Variation ID: 92939). Based on the evidence outlined above, the variant was classified as likely benign.

GeneDx
Classification: Likely benign. Last evaluated: 2021-01-14. Review status: criteria provided, single submitter. Criteria: GeneDx Variant Classification Process June 2021. Collection method: clinical testing. Allele origin: germline. Affected: yes.

Athena Diagnostics
Classification: Likely benign. Last evaluated: 2020-01-08. Review status: criteria provided, single submitter. Criteria: Athena Diagnostics Criteria. Collection method: clinical testing. Allele origin: unknown.

Cambridge Genomics Laboratory, East Genomic Laboratory Hub, NHS Genomic Medicine Service
Classification: Likely benign for Intellectual disability. Last evaluated: 2019-04-24. Review status: criteria provided, single submitter. Criteria: ACGS Best Practice Guidelines for Variant Classification in Rare Disease 2020. Collection method: clinical testing. Allele origin: germline. Affected: yes. Observed: 1 variant allele.

Illumina Laboratory Services, Illumina
Classification: Uncertain significance for Congenital muscular dystrophy due to partial LAMA2 deficiency. Last evaluated: 2018-01-12. Review status: criteria provided, single submitter. Criteria: ICSL Variant Classification Criteria 13 December 2019. Collection method: clinical testing. Allele origin: germline.

Genetic Services Laboratory, University of Chicago
Classification: Uncertain significance. Last evaluated: 2015-08-21. Review status: criteria provided, single submitter. Criteria: ACMG Guidelines, 2015. Collection method: clinical testing. Allele origin: germline. Affected: no.

Eurofins Ntd Llc (ga)
Classification: Uncertain significance. Last evaluated: 2015-04-17. Review status: criteria provided, single submitter. Criteria: EGL Classification Definitions 2015. Collection method: clinical testing. Allele origin: germline. Observed: 2 variant alleles, 2 heterozygotes.

PreventionGenetics, part of Exact Sciences
Classification: Likely benign for LAMA2-related condition. Last evaluated: 2022-08-07. Review status: no assertion criteria provided. Collection method: clinical testing. Allele origin: germline. Not counted in ClinVar's aggregate classification.
Comment: This variant is classified as likely benign based on ACMG/AMP sequence variant interpretation guidelines (Richards et al. 2015 PMID: 25741868, with internal and published modifications).

Department of Pathology and Laboratory Medicine, Sinai Health System
Classification: Likely benign. Review status: no assertion criteria provided. Collection method: clinical testing. Allele origin: unknown. Affected: yes. Study: The Canadian Open Genetics Repository (COGR). Not counted in ClinVar's aggregate classification.
Comment: The LAMA2 p.Ser541Gly variant was not identified in the literature nor was it identified in Cosmic or LOVD 3.0. The variant was identified in dbSNP (ID: rs141363186) and ClinVar (classified as benign by Invitae, likely benign by GeneDx and a VUS by EGL Genetics, Genetics Services Laboratory (University of Chicago) and Athena Diagnostics). The variant was also identified in control databases in 465 of 282658 chromosomes (1 homozygous) at a frequency of 0.001645 increasing the likelihood this could be a low frequency benign variant (Genome Aggregation Database Feb 27, 2017). The variant was observed in the following populations: European (non-Finnish) in 357 of 129082 chromosomes (freq: 0.002766), Ashkenazi Jewish in 23 of 10368 chromosomes (freq: 0.002218), Other in 10 of 7222 chromosomes (freq: 0.001385), South Asian in 34 of 30616 chromosomes (freq: 0.001111), Latino in 31 of 35400 chromosomes (freq: 0.000876) and African in 10 of 24916 chromosomes (freq: 0.000401), while the variant was not observed in the East Asian and European (Finnish) populations. The variant occurs outside of the splicing consensus sequence and in silico or computational prediction software programs (SpliceSiteFinder, MaxEntScan, NNSPLICE, GeneSplicer) do not predict a difference in splicing. The p.Ser541 residue is not conserved in mammals and computational analyses (PolyPhen-2, SIFT, AlignGVGD, BLOSUM, MutationTaster) do not suggest a high likelihood of impact to the protein; however, this information is not predictive enough to rule out pathogenicity. In summary, based on the above information the clinical significance of this variant cannot be determined with certainty at this time although we would lean towards a more benign role for this variant. This variant is classified as likely benign.

Literature cited by the submitters: PubMed 32337335 (cited by Mayo Clinic Laboratories, Mayo Clinic and Women's Health and Genetics/Laboratory Corporation of America, LabCorp).